The following is an entry in ClinVar:

NM_183050.4(BCKDHB):c.1067C>T (p.Pro356Leu)

Gene: BCKDHB (branched chain keto acid dehydrogenase E1 subunit beta; plus strand). Cytogenetic location: 6q14.1.
Variant type: single nucleotide variant.
Coding change: c.1067C>T on transcript NM_183050.4 (MANE Select); coding-DNA position 1067, C replaced by T.
Protein change: p.Pro356Leu; replaces proline 356 with leucine.
Molecular consequence: missense variant. On other transcripts: non-coding transcript variant (1).
Genome position (GRCh38, 1-based): chr6:80,343,692, C>T. VCF-style: chr6-80343692-C-T. GRCh37 (hg19) VCF-style: chr6-81053409-C-T.
Other names: c.1067C>T, p.Pro356Leu (NM_000056.5); c.857C>T, p.Pro286Leu (NM_001318975.1); c.1067C>T (NM_183050.3); short protein forms P356L, P286L.
Identifiers: ClinVar variation 556079 (VCV000556079.9), dbSNP rs1304667430, ClinGen allele CA365021410.

ClinVar aggregate classification (germline): Pathogenic/Likely pathogenic. Review status: criteria provided, multiple submitters, no conflicts (2 of 4 stars). 4 submissions from 4 submitters: Pathogenic (2); Likely pathogenic (1). 1 of the submissions does not count toward it. Last evaluated 2025-05-13.

Conditions:
Maple syrup urine disease type 1A (MSUD1A). Also called: MSUD type 1A. Identifiers: MedGen C1855369, MONDO:0023691, OMIM 248600.
Maple syrup urine disease type 1B (MSUD1B). Also called: MSUD type IB; MSUD type 3 (formerly); MSUD due to deficiency of e1-beta subunit of branched-chain alpha-keto acid dehydrogenase complex. Identifiers: MedGen C2930990, MONDO:0023692, OMIM 620698.
Maple syrup urine disease (MSUD). Identifiers: Orphanet 511, MedGen C0024776, MeSH D008375, MONDO:0009563. Disease mechanism: loss of function.

Allele frequency attached by ClinVar (database versions not stated): gnomAD exomes below 0.00001; gnomAD 0.00001; TOPMed 0.00002.
gnomAD v4.1: 6 of 1,613,914 alleles (0.00037%); highest among the groups gnomAD compares: African/African-American, 0.0027%; no homozygotes.

Submissions (4):

Natera, Inc.
Classification: Likely pathogenic for Maple syrup urine disease type 1B. Last evaluated: 2025-05-13. Review status: criteria provided, single submitter. Criteria: Natera Variant Classification Schema (03/2026). Collection method: clinical testing. Allele origin: germline.
Comment: The c.1067C>T variant in BCKDHB is a missense variant predicted to cause substitution of proline to leucine at amino acid 356. This variant is rare in the general population with a frequency below the threshold expected for the associated phenotype(s). This variant has been observed in one or more individuals affected with the associated recessive disease, as either homozygous or compound heterozygous with a second variant (PMID: 33955723, 31980395, 18378174). Computational prediction algorithms indicate this variant is likely to affect gene or protein function. Given the available evidence, this variant is classified as Likely Pathogenic.

Baylor Genetics
Classification: Pathogenic for Maple syrup urine disease type 1A. Last evaluated: 2024-03-25. Review status: criteria provided, single submitter. Criteria: ACMG Guidelines, 2015. Collection method: clinical testing. Allele origin: unknown.

Labcorp Genetics (formerly Invitae), Labcorp
Classification: Pathogenic for Maple syrup urine disease. Last evaluated: 2024-02-06. Review status: criteria provided, single submitter. Criteria: Invitae Variant Classification Sherloc (09022015). Collection method: clinical testing. Allele origin: germline.
Comment: This sequence change replaces proline, which is neutral and non-polar, with leucine, which is neutral and non-polar, at codon 356 of the BCKDHB protein (p.Pro356Leu). This variant is not present in population databases (gnomAD no frequency). This missense change has been observed in individual(s) with maple syrup urine disease (PMID: 18378174, 31980395, 33955723; Invitae). ClinVar contains an entry for this variant (Variation ID: 556079). Advanced modeling of protein sequence and biophysical properties (such as structural, functional, and spatial information, amino acid conservation, physicochemical variation, residue mobility, and thermodynamic stability) performed at Invitae indicates that this missense variant is expected to disrupt BCKDHB protein function with a positive predictive value of 80%. For these reasons, this variant has been classified as Pathogenic.

Counsyl
Classification: Uncertain significance for Maple syrup urine disease type 1A. Last evaluated: 2018-01-11. Review status: no assertion criteria provided. Collection method: clinical testing. Allele origin: unknown. Not counted in ClinVar's aggregate classification.

Literature cited by the submitters: PubMed 33955723 (cited by Natera, Inc. and Labcorp Genetics (formerly Invitae), Labcorp); PubMed 31980395 (cited by Natera, Inc. and Labcorp Genetics (formerly Invitae), Labcorp); PubMed 18378174 (cited by 3 submitters).